The following is an entry in ClinVar:

ClinVar aggregate classification (germline): Uncertain significance (1 of 4 stars; one submission).

Submission:

Labcorp Genetics (formerly Invitae), Labcorp
Classification: Uncertain significance. Last evaluated: 2024-12-31. Review status: criteria provided, single submitter. Criteria: Invitae Variant Classification Sherloc (09022015). Collection method: clinical testing. Allele origin: germline.
Comment: This sequence change replaces glutamic acid, which is acidic and polar, with lysine, which is basic and polar, at codon 135 of the CFP protein (p.Glu135Lys). This variant also falls at the last nucleotide of exon 4, which is part of the consensus splice site for this exon. This variant is not present in population databases (gnomAD no frequency). This variant has not been reported in the literature in individuals affected with CFP-related conditions. An algorithm developed to predict the effect of missense changes on protein structure and function (PolyPhen-2) suggests that this variant is likely to be disruptive. Variants that disrupt the consensus splice site are a relatively common cause of aberrant splicing (PMID: 17576681, 9536098). Algorithms developed to predict the effect of sequence changes on RNA splicing suggest that this variant may disrupt the consensus splice site. In summary, the available evidence is currently insufficient to determine the role of this variant in disease. Therefore, it has been classified as a Variant of Uncertain Significance.

Literature cited by the submitters: PubMed 17576681; PubMed 9536098.

NM_001145252.3(CFP):c.403G>A (p.Glu135Lys)

Gene: CFP (complement factor properdin; minus strand). Cytogenetic location: Xp11.23.
Variant type: single nucleotide variant.
Coding change: c.403G>A on transcript NM_001145252.3 (MANE Select); coding-DNA position 403, G replaced by A.
Protein change: p.Glu135Lys; replaces glutamic acid 135 with lysine.
Molecular consequence: missense variant.
Genome position (GRCh38, 1-based): chrX:47,628,102, C>T on the plus strand (G>A on the coding strand, the complement: CFP is on the minus strand). VCF-style: chrX-47628102-C-T. GRCh37 (hg19) VCF-style: chrX-47487501-C-T.
Other names: c.403G>A, p.Glu135Lys (NM_002621.2); short protein forms E135K.
Identifiers: ClinVar variation 3608603 (VCV003608603.2).